The following is an entry in ClinVar:

ClinVar aggregate classification (germline): Pathogenic (1 of 4 stars; one submission).

Conditions:
USH2A-related disorder. Also called: USH2A-related condition; USH2A-related disorders. Identifiers: MedGen CN239332.

Submission:

Myriad Genetics, Inc.
Classification: Pathogenic for USH2A-related disorder. Last evaluated: 2026-05-26. Review status: criteria provided, single submitter. Criteria: Myriad Autosomal Dominant, Autosomal Recessive and X-Linked Classification Criteria (2023). Collection method: clinical testing. Allele origin: unknown.
Comment: NM_206933.2(USH2A):c.13636C>T(Q4546*) is expected to be pathogenic in the context of USH2A-related disorders. This variant is predicted to lead to an abnormal or absent protein product due to the creation of a premature termination codon in USH2A, a gene where loss-of-function variants are known to be pathogenic. Please note: this variant was assessed in the context of healthy population screening.

NM_206933.4(USH2A):c.13636C>T (p.Gln4546Ter)

Gene: USH2A (usherin; minus strand). Cytogenetic location: 1q41.
Variant type: single nucleotide variant.
Coding change: c.13636C>T on transcript NM_206933.4 (MANE Select); coding-DNA position 13636, C replaced by T.
Protein change: p.Gln4546Ter; replaces glutamine 4546 with a stop codon.
Molecular consequence: nonsense.
Genome position (GRCh38, 1-based): chr1:215,674,275, G>A on the plus strand (C>T on the coding strand, the complement: USH2A is on the minus strand). VCF-style: chr1-215674275-G-A. GRCh37 (hg19) VCF-style: chr1-215847617-G-A.
Other names: short protein forms Q4546*.
Identifiers: ClinVar variation 5015959 (VCV005015959.1).